The following is an entry in ClinVar:

NM_018122.5(DARS2):c.314A>T (p.Lys105Met)

Gene: DARS2 (aspartyl-tRNA synthetase 2, mitochondrial; plus strand). Cytogenetic location: 1q25.1.
Variant type: single nucleotide variant.
Coding change: c.314A>T on transcript NM_018122.5 (MANE Select); coding-DNA position 314, A replaced by T.
Protein change: p.Lys105Met; replaces lysine 105 with methionine.
Molecular consequence: missense variant.
Genome position (GRCh38, 1-based): chr1:173,830,679, A>T. VCF-style: chr1-173830679-A-T. GRCh37 (hg19) VCF-style: chr1-173799817-A-T.
Other names: c.314A>T, p.Lys105Met (NM_001365212.1, NM_001365213.2); short protein forms K105M.
Identifiers: ClinVar variation 2115040 (VCV002115040.4), dbSNP rs888522833, ClinGen allele CA32767271.

ClinVar aggregate classification (germline): Uncertain significance (1 of 4 stars; one submission).

Allele frequency attached by ClinVar (database versions not stated): gnomAD exomes below 0.00001; TOPMed below 0.00001.

Submission:

Labcorp Genetics (formerly Invitae), Labcorp
Classification: Uncertain significance. Last evaluated: 2022-04-12. Review status: criteria provided, single submitter. Criteria: Invitae Variant Classification Sherloc (09022015). Collection method: clinical testing. Allele origin: germline.
Comment: This sequence change replaces lysine, which is basic and polar, with methionine, which is neutral and non-polar, at codon 105 of the DARS2 protein (p.Lys105Met). In summary, the available evidence is currently insufficient to determine the role of this variant in disease. Therefore, it has been classified as a Variant of Uncertain Significance. Algorithms developed to predict the effect of missense changes on protein structure and function are either unavailable or do not agree on the potential impact of this missense change (SIFT: "Tolerated"; PolyPhen-2: "Possibly Damaging"; Align-GVGD: "Class C0"). This variant has not been reported in the literature in individuals affected with DARS2-related conditions. This variant is not present in population databases (gnomAD no frequency).